The following is an entry in ClinVar:

ClinVar aggregate classification (germline): Uncertain significance. Review status: criteria provided, multiple submitters, no conflicts (2 of 4 stars). 2 submissions from 2 submitters: Uncertain significance (2). Last evaluated 2024-05-07.

Allele frequency attached by ClinVar (database versions not stated): gnomAD exomes 0.00004; TOPMed 0.00005; ESP Exome Variant Server 0.00015.
gnomAD v4.1: 70 of 1,612,194 alleles (0.0043%); highest among the groups gnomAD compares: Middle Eastern, 0.033%; no homozygotes.

Submissions (2):

Labcorp Genetics (formerly Invitae), Labcorp
Classification: Uncertain significance. Last evaluated: 2024-05-07. Review status: criteria provided, single submitter. Criteria: Invitae Variant Classification Sherloc (09022015). Collection method: clinical testing. Allele origin: germline.
Comment: This sequence change replaces arginine, which is basic and polar, with glutamine, which is neutral and polar, at codon 617 of the SLIT2 protein (p.Arg617Gln). This variant is present in population databases (rs372629514, gnomAD 0.03%). This variant has not been reported in the literature in individuals affected with SLIT2-related conditions. An algorithm developed to predict the effect of missense changes on protein structure and function (PolyPhen-2) suggests that this variant is likely to be tolerated. In summary, the available evidence is currently insufficient to determine the role of this variant in disease. Therefore, it has been classified as a Variant of Uncertain Significance.

Ambry Genetics
Classification: Uncertain significance. Last evaluated: 2023-12-14. Review status: criteria provided, single submitter. Criteria: Ambry Variant Classification Scheme 2023. Collection method: clinical testing. Allele origin: germline.

NM_004787.4(SLIT2):c.1850G>A (p.Arg617Gln)

Gene: SLIT2 (slit guidance ligand 2; plus strand). Cytogenetic location: 4p15.31.
Variant type: single nucleotide variant.
Coding change: c.1850G>A on transcript NM_004787.4 (MANE Select); coding-DNA position 1850, G replaced by A.
Protein change: p.Arg617Gln; replaces arginine 617 with glutamine.
Molecular consequence: missense variant.
Genome position (GRCh38, 1-based): chr4:20,539,458, G>A. VCF-style: chr4-20539458-G-A. GRCh37 (hg19) VCF-style: chr4-20541081-G-A.
Other names: c.1838G>A, p.Arg613Gln (NM_001289135.3); c.1826G>A, p.Arg609Gln (NM_001289136.3); short protein forms R617Q, R613Q, R609Q.
Identifiers: ClinVar variation 3166027 (VCV003166027.3), dbSNP rs372629514, ClinGen allele CA2871631.